The following is an entry in ClinVar:

ClinVar aggregate classification (germline): Uncertain significance (1 of 4 stars; one submission).

Submission:

CeGaT Center for Human Genetics Tuebingen
Classification: Uncertain significance. Last evaluated: 2024-06-01. Review status: criteria provided, single submitter. Criteria: CeGaT Center For Human Genetics Tuebingen Variant Classification Criteria Version 2. Collection method: clinical testing. Allele origin: germline. Affected: yes. Observed: 1 variant allele.
Comment: AFF3: PM2, PVS1:Moderate

NM_001386135.1(AFF3):c.3043G>T (p.Gly1015Ter)

Gene: AFF3 (ALF transcription elongation factor 3; minus strand). Cytogenetic location: 2q11.2.
Variant type: single nucleotide variant.
Coding change: c.3043G>T on transcript NM_001386135.1 (MANE Select); coding-DNA position 3043, G replaced by T.
Protein change: p.Gly1015Ter; replaces glycine 1015 with a stop codon.
Molecular consequence: nonsense.
Genome position (GRCh38, 1-based): chr2:99,565,563, C>A on the plus strand (G>T on the coding strand, the complement: AFF3 is on the minus strand). VCF-style: chr2-99565563-C-A. GRCh37 (hg19) VCF-style: chr2-100182025-C-A.
Other names: c.3118G>T, p.Gly1040Ter (NM_001025108.2); c.3043G>T, p.Gly1015Ter (NM_002285.3); short protein forms G1015*, G1040*.
Identifiers: ClinVar variation 3250990 (VCV003250990.18), dbSNP rs2545868023.